The following is an entry in ClinVar:

ClinVar aggregate classification (germline): Uncertain significance (1 of 4 stars; one submission).

Allele frequency attached by ClinVar (database versions not stated): ExAC 0.00001.

Submission:

Labcorp Genetics (formerly Invitae), Labcorp
Classification: Uncertain significance. Last evaluated: 2025-01-06. Review status: criteria provided, single submitter. Criteria: Invitae Variant Classification Sherloc (09022015). Collection method: clinical testing. Allele origin: germline.
Comment: This sequence change affects codon 270 of the C1S mRNA. It is a 'silent' change, meaning that it does not change the encoded amino acid sequence of the C1S protein. This variant is present in population databases (rs782071647, gnomAD 0.0009%). This variant has not been reported in the literature in individuals affected with C1S-related conditions. ClinVar contains an entry for this variant (Variation ID: 3015351). Algorithms developed to predict the effect of sequence changes on RNA splicing suggest that this variant may disrupt the consensus splice site. In summary, the available evidence is currently insufficient to determine the role of this variant in disease. Therefore, it has been classified as a Variant of Uncertain Significance.

NM_001734.5(C1S):c.810C>A (p.Ile270=)

Gene: C1S (complement C1s; plus strand). Cytogenetic location: 12p13.31.
Variant type: single nucleotide variant.
Coding change: c.810C>A on transcript NM_001734.5 (MANE Select); coding-DNA position 810, C replaced by A.
Protein change: p.Ile270=; no amino-acid change (isoleucine 270 retained).
Molecular consequence: synonymous variant.
Genome position (GRCh38, 1-based): chr12:7,065,909, C>A. VCF-style: chr12-7065909-C-A. GRCh37 (hg19) VCF-style: chr12-7173213-C-A.
Other names: c.309C>A, p.Ile103= (NM_001346850.2); c.810C>A, p.Ile270= (NM_201442.4).
Identifiers: ClinVar variation 3015351 (VCV003015351.3), dbSNP rs782071647, ClinGen allele CA6423585.
Genomic context (GRCh38, chr12:7,065,909, plus strand): 5'-CTGTGGTCATGGATTCCCTGGGCCTCTAAATATTGAAACCAAGAGTAATGCTCTTGATAT[C>A]ATCTTCCAAACTGATCTAACAGGGCAAAAAAAGGGCTGGAAACTTCGCTATCATGGAGAT-3'
Protein context (NP_001725.1, residues 260-280): NIETKSNALD[Ile270=]IFQTDLTGQK